The following is an entry in ClinVar:

NM_003242.6(TGFBR2):c.511A>G (p.Ser171Gly)

Gene: TGFBR2 (transforming growth factor beta receptor 2; plus strand). Cytogenetic location: 3p24.1.
Variant type: single nucleotide variant.
Coding change: c.511A>G on transcript NM_003242.6 (MANE Select); coding-DNA position 511, A replaced by G.
Protein change: p.Ser171Gly; replaces serine 171 with glycine.
Molecular consequence: missense variant.
Genome position (GRCh38, 1-based): chr3:30,671,694, A>G. VCF-style: chr3-30671694-A-G. GRCh37 (hg19) VCF-style: chr3-30713186-A-G.
Other names: c.586A>G, p.Ser196Gly (NM_001024847.3); c.694A>G, p.Ser232Gly (NM_001407126.1); c.619A>G, p.Ser207Gly (NM_001407127.1); c.538A>G, p.Ser180Gly (NM_001407128.1); c.514A>G, p.Ser172Gly (NM_001407129.1); c.511A>G, p.Ser171Gly (NM_001407130.1); c.406A>G, p.Ser136Gly (NM_001407132.1, NM_001407133.1, NM_001407134.1 and 2 more transcripts); c.226A>G, p.Ser76Gly (NM_001407137.1); and 1 more; short protein forms S171G, S196G, S136G, S180G, S232G, S76G, S172G, S207G.
Identifiers: ClinVar variation 477548 (VCV000477548.9), dbSNP rs767581059, ClinGen allele CA049148.

ClinVar aggregate classification (germline): Uncertain significance. Review status: criteria provided, multiple submitters, no conflicts (2 of 4 stars). 2 submissions from 2 submitters: Uncertain significance (2). Last evaluated 2025-02-09.

Conditions:
Familial thoracic aortic aneurysm and aortic dissection (TAAD). Also called: Thoracic aortic aneurysms and dissections. Identifiers: Orphanet 91387, MedGen C4707243, MONDO:0019625.

Allele frequency attached by ClinVar (database versions not stated): TOPMed below 0.00001; gnomAD exomes 0.00002 and 0.00004; ExAC 0.00005.
gnomAD v4.1: 10 of 1,614,230 alleles (0.00062%); highest among the groups gnomAD compares: Admixed American, 0.017%; no homozygotes.

Submissions (2):

Labcorp Genetics (formerly Invitae), Labcorp
Classification: Uncertain significance for Familial thoracic aortic aneurysm and aortic dissection. Last evaluated: 2025-02-09. Review status: criteria provided, single submitter. Criteria: Invitae Variant Classification Sherloc (09022015). Collection method: clinical testing. Allele origin: germline.
Comment: This sequence change replaces serine, which is neutral and polar, with glycine, which is neutral and non-polar, at codon 171 of the TGFBR2 protein (p.Ser171Gly). This variant is present in population databases (rs767581059, gnomAD 0.02%). This variant has not been reported in the literature in individuals affected with TGFBR2-related conditions. ClinVar contains an entry for this variant (Variation ID: 477548). Invitae Evidence Modeling of protein sequence and biophysical properties (such as structural, functional, and spatial information, amino acid conservation, physicochemical variation, residue mobility, and thermodynamic stability) indicates that this missense variant is not expected to disrupt TGFBR2 protein function with a negative predictive value of 95%. In summary, the available evidence is currently insufficient to determine the role of this variant in disease. Therefore, it has been classified as a Variant of Uncertain Significance.

GeneDx
Classification: Uncertain significance. Last evaluated: 2020-12-04. Review status: criteria provided, single submitter. Criteria: GeneDx Variant Classification Process June 2021. Collection method: clinical testing. Allele origin: germline. Affected: yes.
Comment: Has not been previously published as pathogenic or benign to our knowledge; In silico analysis supports that this missense variant has a deleterious effect on protein structure/function; Reported in ClinVar as a variant of uncertain significance (ClinVar Variant ID# 477548; Landrum et al., 2016)